The following is an entry in ClinVar:

ClinVar aggregate classification (germline): Likely benign. Review status: criteria provided, single submitter (1 of 4 stars). 3 submissions from 3 submitters: Likely benign (1). 2 of the submissions do not count toward it. Last evaluated 2025-09-03.

Conditions:
GNAS-related disorder. Identifiers: MedGen CN380105.

Allele frequency attached by ClinVar (database versions not stated): gnomAD exomes 0.00008 and 0.00011; gnomAD 0.00012 and 0.00014; ExAC 0.00028; ESP Exome Variant Server 0.00011.
gnomAD v4.1: 136 of 1,574,472 alleles (0.0086%); highest among the groups gnomAD compares: Middle Eastern, 0.066%; no homozygotes.

Submissions (3):

PreventionGenetics, part of Exact Sciences
Classification: Likely benign for GNAS-related condition. Last evaluated: 2025-09-03. Review status: criteria provided, single submitter. Criteria: ACMG Guidelines, 2015. Collection method: clinical testing. Allele origin: germline.
Comment: This variant is classified as likely benign based on ACMG/AMP sequence variant interpretation guidelines (Richards et al. 2015 PMID: 25741868, with internal and published modifications).

Clinical Genetics DNA and cytogenetics Diagnostics Lab, Erasmus MC, Erasmus Medical Center
Classification: Benign. Review status: no assertion criteria provided. Collection method: clinical testing. Allele origin: germline. Affected: yes. Study: VKGL Data-share Consensus. Not counted in ClinVar's aggregate classification.

Laboratory of Diagnostic Genome Analysis, Leiden University Medical Center (LUMC)
Classification: Likely benign. Review status: no assertion criteria provided. Collection method: clinical testing. Allele origin: germline. Affected: yes. Study: VKGL Data-share Consensus. Not counted in ClinVar's aggregate classification.

NM_080425.4(GNAS):c.1524C>T (p.Ala508=)

Gene: GNAS (GNAS complex locus; plus strand). Cytogenetic location: 20q13.32.
Variant type: single nucleotide variant.
Coding change: c.1524C>T on transcript NM_080425.4 (MANE Plus Clinical); coding-DNA position 1524, C replaced by T.
Protein change: p.Ala508=; no amino-acid change (alanine 508 retained).
Molecular consequence: synonymous variant. On other transcripts: missense variant (2), intron variant (3).
Genome position (GRCh38, 1-based): chr20:58,854,789, C>T. VCF-style: chr20-58854789-C-T. GRCh37 (hg19) VCF-style: chr20-57429844-C-T.
Other names: c.1337C>T, p.Pro446Leu (NM_001077490.3, NM_001309883.1); c.1524C>T, p.Ala508= (NM_001410913.1); c.*42+13903C>T (NM_016592.5); c.43+13903C>T (NM_001410912.1); c.-39+12914C>T (NM_001309861.2); short protein forms P446L.
Identifiers: ClinVar variation 1328360 (VCV001328360.6), dbSNP rs111796234, ClinGen allele CA9926703.